The following is an entry in ClinVar:

NM_021098.3(CACNA1H):c.5579T>C (p.Met1860Thr)

Gene: CACNA1H (calcium voltage-gated channel subunit alpha1 H; plus strand). Cytogenetic location: 16p13.3.
Variant type: single nucleotide variant.
Coding change: c.5579T>C on transcript NM_021098.3 (MANE Select); coding-DNA position 5579, T replaced by C.
Protein change: p.Met1860Thr; replaces methionine 1860 with threonine.
Molecular consequence: missense variant.
Genome position (GRCh38, 1-based): chr16:1,218,343, T>C. VCF-style: chr16-1218343-T-C. GRCh37 (hg19) VCF-style: chr16-1268343-T-C.
Other names: c.5561T>C, p.Met1854Thr (NM_001005407.2); short protein forms M1854T, M1860T.
Identifiers: ClinVar variation 1722966 (VCV001722966.2), dbSNP rs2548728395, ClinGen allele CA394147470.

ClinVar aggregate classification (germline): Uncertain significance (1 of 4 stars; one submission).

Submission:

GeneDx
Classification: Uncertain significance. Last evaluated: 2022-05-05. Review status: criteria provided, single submitter. Criteria: GeneDx Variant Classification Process June 2021. Collection method: clinical testing. Allele origin: germline. Affected: yes.
Comment: Not observed at significant frequency in large population cohorts (gnomAD); In silico analysis supports that this missense variant has a deleterious effect on protein structure/function; Has not been previously published as pathogenic or benign to our knowledge